The following is an entry in ClinVar:

ClinVar aggregate classification (germline): Uncertain significance (1 of 4 stars; one submission).

Conditions:
Sulfite oxidase deficiency due to molybdenum cofactor deficiency type C. Also called: Molybdenum cofactor deficiency, complementation group C; Molybdenum cofactor deficiency C. Identifiers: Orphanet 308400, Orphanet 833, MedGen C1854990, MONDO:0014212, OMIM 615501.

Allele frequency attached by ClinVar (database versions not stated): TOPMed below 0.00001; gnomAD 0.00001.
gnomAD v4.1: 1 of 1,598,716 alleles (0.000063%); highest among the groups gnomAD compares: Non-Finnish European, 0.000086%; no homozygotes.

Submission:

Labcorp Genetics (formerly Invitae), Labcorp
Classification: Uncertain significance for Sulfite oxidase deficiency due to molybdenum cofactor deficiency type C. Last evaluated: 2022-04-30. Review status: criteria provided, single submitter. Criteria: Invitae Variant Classification Sherloc (09022015). Collection method: clinical testing. Allele origin: germline.
Comment: In summary, the available evidence is currently insufficient to determine the role of this variant in disease. Therefore, it has been classified as a Variant of Uncertain Significance. Algorithms developed to predict the effect of missense changes on protein structure and function are either unavailable or do not agree on the potential impact of this missense change (SIFT: "Deleterious"; PolyPhen-2: "Probably Damaging"; Align-GVGD: "Class C0"). This variant has not been reported in the literature in individuals affected with GPHN-related conditions. This variant is not present in population databases (gnomAD no frequency). This sequence change replaces glycine, which is neutral and non-polar, with aspartic acid, which is acidic and polar, at codon 606 of the GPHN protein (p.Gly606Asp).

NM_020806.5(GPHN):c.1817G>A (p.Gly606Asp)

Gene: GPHN (gephyrin; plus strand). Cytogenetic location: 14q23.3.
Variant type: single nucleotide variant.
Coding change: c.1817G>A on transcript NM_020806.5 (MANE Select); coding-DNA position 1817, G replaced by A.
Protein change: p.Gly606Asp; replaces glycine 606 with aspartic acid.
Molecular consequence: missense variant.
Genome position (GRCh38, 1-based): chr14:67,143,430, G>A. VCF-style: chr14-67143430-G-A. GRCh37 (hg19) VCF-style: chr14-67610147-G-A.
Other names: c.1718G>A, p.Gly573Asp (NM_001024218.2); c.1877G>A, p.Gly626Asp (NM_001377514.1); c.1847G>A, p.Gly616Asp (NM_001377515.1); c.1838G>A, p.Gly613Asp (NM_001377516.1); c.1790G>A, p.Gly597Asp (NM_001377517.1); c.1775G>A, p.Gly592Asp (NM_001377518.1); c.1757G>A, p.Gly586Asp (NM_001377519.1); short protein forms G613D, G616D, G573D, G586D, G606D, G592D, G597D, G626D.
Identifiers: ClinVar variation 2132311 (VCV002132311.4), dbSNP rs777861765, ClinGen allele CA390259638.
Genomic context (GRCh38, chr14:67,143,430, plus strand): 5'-ACTTACTCAATGCCTTGAATGAGGGTATCAGTCGTGCTGATGTCATCATCACATCAGGGG[G>A]TGTATCCATGGGGGAAAAGGTATGAAAGATAGGGCTCGTGAAAATGTATCTGCTGTAATG-3'
Protein context (NP_065857.1, residues 596-616): SRADVIITSG[Gly606Asp]VSMGEKDYLK